The following is an entry in ClinVar:

NM_032861.4(SERAC1):c.1846C>A (p.Leu616Ile)

Gene: SERAC1 (serine active site containing 1; minus strand). Cytogenetic location: 6q25.3.
Variant type: single nucleotide variant.
Coding change: c.1846C>A on transcript NM_032861.4 (MANE Select); coding-DNA position 1846, C replaced by A.
Protein change: p.Leu616Ile; replaces leucine 616 with isoleucine.
Molecular consequence: missense variant.
Genome position (GRCh38, 1-based): chr6:158,111,485, G>T on the plus strand (C>A on the coding strand, the complement: SERAC1 is on the minus strand). VCF-style: chr6-158111485-G-T. GRCh37 (hg19) VCF-style: chr6-158532517-G-T.
Other names: c.1846C>A (NM_032861.3); short protein forms L616I.
Identifiers: ClinVar variation 1413327 (VCV001413327.7), dbSNP rs780572089, ClinGen allele CA4070918.
Genomic context (GRCh38, chr6:158,111,485, plus strand): 5'-AAAAAGCATCCTTTTTCTTTGGCTTACAAATGTTCAAATGGTTAACATCCACAGGAATTA[G>T]ATCTCCAATGCCTAAATCTGAAGAAAATAAAAAAGTCAATAAACCTAAGTAAAAATATAA-3'
Protein context (NP_116250.3, residues 606-626): VESADLGIGD[Leu616Ile]IPVDVNHLNI

ClinVar aggregate classification (germline): Uncertain significance. Review status: criteria provided, multiple submitters, no conflicts (2 of 4 stars). 2 submissions from 2 submitters: Uncertain significance (2). Last evaluated 2025-07-22.

Conditions:
Inborn genetic diseases. Identifiers: MedGen C0950123, MeSH D030342.
3-methylglutaconic aciduria with deafness, encephalopathy, and Leigh-like syndrome (MEGDEL). Also called: SERAC1 Deficiency; MEGDEL syndrome; 3-METHYLGLUTACONIC ACIDURIA, TYPE VI. Identifiers: Orphanet 352328, MedGen C4040739, MONDO:0013875, OMIM 614739.

Allele frequency attached by ClinVar (database versions not stated): gnomAD exomes 0.00001 and 0.00002; TOPMed 0.00001; ExAC 0.00002.
gnomAD v4.1: 15 of 1,599,068 alleles (0.00094%); highest among the groups gnomAD compares: Admixed American, 0.0036%; no homozygotes.

Submissions (2):

Ambry Genetics
Classification: Uncertain significance for Inborn genetic diseases. Last evaluated: 2025-07-22. Review status: criteria provided, single submitter. Criteria: Ambry Variant Classification Scheme 2023. Collection method: clinical testing. Allele origin: germline.

Labcorp Genetics (formerly Invitae), Labcorp
Classification: Uncertain significance for 3-methylglutaconic aciduria with deafness, encephalopathy, and Leigh-like syndrome. Last evaluated: 2023-05-10. Review status: criteria provided, single submitter. Criteria: Invitae Variant Classification Sherloc (09022015). Collection method: clinical testing. Allele origin: germline.
Comment: ClinVar contains an entry for this variant (Variation ID: 1413327). This variant has not been reported in the literature in individuals affected with SERAC1-related conditions. This variant is present in population databases (rs780572089, gnomAD 0.003%). This sequence change replaces leucine, which is neutral and non-polar, with isoleucine, which is neutral and non-polar, at codon 616 of the SERAC1 protein (p.Leu616Ile). Advanced modeling of protein sequence and biophysical properties (such as structural, functional, and spatial information, amino acid conservation, physicochemical variation, residue mobility, and thermodynamic stability) performed at Invitae indicates that this missense variant is not expected to disrupt SERAC1 protein function. In summary, the available evidence is currently insufficient to determine the role of this variant in disease. Therefore, it has been classified as a Variant of Uncertain Significance.